The following is an entry in ClinVar:

NM_000059.4(BRCA2):c.182T>C (p.Leu61Pro)

Gene: BRCA2 (BRCA2 DNA repair associated; plus strand). Cytogenetic location: 13q13.1.
Variant type: single nucleotide variant.
Coding change: c.182T>C on transcript NM_000059.4 (MANE Select); coding-DNA position 182, T replaced by C.
Protein change: p.Leu61Pro; replaces leucine 61 with proline.
Molecular consequence: missense variant.
Genome position (GRCh38, 1-based): chr13:32,319,191, T>C. VCF-style: chr13-32319191-T-C. GRCh37 (hg19) VCF-style: chr13-32893328-T-C.
Other names: short protein forms L61P.
Identifiers: ClinVar variation 481075 (VCV000481075.20), dbSNP rs1555280374, ClinGen allele CA387754349.
Genomic context (GRCh38, chr13:32,319,191, plus strand): 5'-CCTATAATTCTGAACCTGCAGAAGAATCTGAACATAAAAACAACAATTACGAACCAAACC[T>C]ATTTAAAACTCCACAAAGGAAACCATCTTATAATCAGCTGGCTTCAACTCCAATAATATT-3'
Protein context (NP_000050.3, residues 51-71): EHKNNNYEPN[Leu61Pro]FKTPQRKPSY

ClinVar aggregate classification (germline): Conflicting classifications of pathogenicity. Review status: criteria provided, conflicting classifications (1 of 4 stars). 4 submissions from 4 submitters: Uncertain significance (2); Likely benign (2). Last evaluated 2026-08-06.

Conditions:
Hereditary breast ovarian cancer syndrome. Also called: BRCA1- and BRCA2-Associated Hereditary Breast and Ovarian Cancer; Hereditary breast and ovarian cancer; Breast and ovarian cancer; Hereditary breast and/or ovarian cancer syndrome; Hereditary breast and ovarian cancer syndrome; Hereditary breast and ovarian cancer syndrome (HBOC). Identifiers: Orphanet 145, MedGen C0677776, MeSH D061325, MONDO:0003582. Disease mechanism: loss of function.
Hereditary cancer-predisposing syndrome. Also called: Neoplastic Syndromes, Hereditary; Tumor predisposition; Hereditary Cancer Syndrome; Hereditary neoplastic syndrome. Identifiers: Orphanet 140162, MedGen C0027672, MeSH D009386, MONDO:0015356.
Familial prostate cancer. Also called: Hereditary Prostate Cancer. Identifiers: MedGen C2931456, MONDO:0700275, OMIM 176807.

Allele frequency attached by ClinVar (database versions not stated): gnomAD exomes 0.00001.

Submissions (4):

OLLIN Analises Genomicas, OLLIN
Classification: Uncertain significance for Familial prostate cancer. Last evaluated: 2026-08-06. Review status: criteria provided, single submitter. Criteria: ACMG Guidelines 2015 PMID 25741868. Collection method: clinical testing. Allele origin: germline. Inheritance: Autosomal recessive inheritance.
Comment: This missense variant, located in exon 3 (of 27), has been reported in ClinVar (accession VCV000481075.19) and in gnomAD with an allele frequency of 0.00068%. However, to our knowledge, it has not been reported in the scientific literature. In silico analysis is inconclusive regarding the impact of this variant. This gene has high tolerance to missense variation. According to the currently available evidence, this variant has been classified as uncertain significance (PM2_P, BP1_S).

Labcorp Genetics (formerly Invitae), Labcorp
Classification: Uncertain significance for Hereditary breast ovarian cancer syndrome. Last evaluated: 2025-11-11. Review status: criteria provided, single submitter. Criteria: Invitae Variant Classification Sherloc (09022015). Collection method: clinical testing. Allele origin: germline.
Comment: This sequence change replaces leucine, which is neutral and non-polar, with proline, which is neutral and non-polar, at codon 61 of the BRCA2 protein (p.Leu61Pro). This variant is not present in population databases (gnomAD no frequency). This missense change has been observed in individual(s) with breast cancer and/or prostate cancer (PMID: 27701467, 30287823, 30415210, 34755017). ClinVar contains an entry for this variant (Variation ID: 481075). Invitae Evidence Modeling of protein sequence and biophysical properties (such as structural, functional, and spatial information, amino acid conservation, physicochemical variation, residue mobility, and thermodynamic stability) indicates that this missense variant is not expected to disrupt BRCA2 protein function with a negative predictive value of 95%. In summary, the available evidence is currently insufficient to determine the role of this variant in disease. Therefore, it has been classified as a Variant of Uncertain Significance.

Color Diagnostics, LLC DBA Color Health
Classification: Likely benign for Hereditary cancer-predisposing syndrome. Last evaluated: 2022-11-16. Review status: criteria provided, single submitter. Criteria: ACMG Guidelines, 2015. Collection method: clinical testing. Allele origin: germline.

Ambry Genetics
Classification: Likely benign for Hereditary cancer-predisposing syndrome. Last evaluated: 2017-12-15. Review status: criteria provided, single submitter. Criteria: Ambry Variant Classification Scheme 2023. Collection method: clinical testing. Allele origin: germline.

Literature cited by the submitters: PubMed 27701467 (cited by Labcorp Genetics (formerly Invitae), Labcorp); PubMed 30287823 (cited by Labcorp Genetics (formerly Invitae), Labcorp); PubMed 30415210 (cited by Labcorp Genetics (formerly Invitae), Labcorp and Ambry Genetics); PubMed 34755017 (cited by Labcorp Genetics (formerly Invitae), Labcorp).